The following is an entry in ClinVar:

ClinVar aggregate classification (germline): Conflicting classifications of pathogenicity. Review status: criteria provided, conflicting classifications (1 of 4 stars). 3 submissions from 3 submitters: Likely pathogenic (1); Uncertain significance (1). 1 of the submissions does not count toward it. Last evaluated 2025-07-07.

Conditions:
Corneal dystrophy-perceptive deafness syndrome (CDPD). Also called: CORNEAL DYSTROPHY AND SENSORINEURAL DEAFNESS; HARBOYAN SYNDROME. Identifiers: Orphanet 1490, MedGen C1857572, MONDO:0009015, OMIM 217400.

Allele frequency attached by ClinVar (database versions not stated): gnomAD exomes below 0.00001 and 0.00001; TOPMed below 0.00001; ExAC 0.00001.
gnomAD v4.1: 18 of 1,613,374 alleles (0.0011%); highest among the groups gnomAD compares: Non-Finnish European, 0.0015%; no homozygotes.

Submissions (3):

Natera, Inc.
Classification: Likely pathogenic for Corneal dystrophy-perceptive deafness syndrome. Last evaluated: 2025-07-07. Review status: criteria provided, single submitter. Criteria: Natera Variant Classification Schema (03/2026). Collection method: clinical testing. Allele origin: germline.
Comment: The c.637T>C variant in SLC4A11 is a missense variant predicted to cause substitution of serine to proline at amino acid 213. This variant is rare in the general population with a frequency below the threshold expected for the associated phenotype(s). Functional studies show that this variant may disrupt protein function (PMID: 29327391). A different variant at the same position has been determined to be Pathogenic or Likely Pathogenic. Computational prediction algorithms indicate this variant is likely to affect gene or protein function. Given the available evidence, this variant is classified as Likely Pathogenic.

Blueprint Genetics
Classification: Uncertain significance. Last evaluated: 2021-12-29. Review status: criteria provided, single submitter. Criteria: ACMG Guidelines, 2015. Collection method: clinical testing. Allele origin: germline.

OMIM
Classification: Pathogenic for CORNEAL DYSTROPHY AND PERCEPTIVE DEAFNESS. Last evaluated: 2007-05-01. Review status: no assertion criteria provided. Collection method: literature only. Allele origin: germline. Not counted in ClinVar's aggregate classification.

Literature cited by the submitters: PubMed 29327391 (cited by Natera, Inc.); PubMed 17220209 (cited by OMIM).

NM_001174089.2(SLC4A11):c.589T>C (p.Ser197Pro)

Gene: SLC4A11 (solute carrier family 4 member 11; minus strand). Cytogenetic location: 20p13.
Variant type: single nucleotide variant.
Coding change: c.589T>C on transcript NM_001174089.2 (MANE Select); coding-DNA position 589, T replaced by C.
Protein change: p.Ser197Pro; replaces serine 197 with proline.
Molecular consequence: missense variant. On other transcripts: non-coding transcript variant (1).
Genome position (GRCh38, 1-based): chr20:3,233,937, A>G on the plus strand (T>C on the coding strand, the complement: SLC4A11 is on the minus strand). VCF-style: chr20-3233937-A-G. GRCh37 (hg19) VCF-style: chr20-3214583-A-G.
Other names: c.718T>C, p.Ser240Pro (NM_001174090.2); c.589T>C, p.Ser197Pro (NM_001363745.2); c.637T>C, p.Ser213Pro (NM_032034.4); c.637T>C (NM_032034.3); short protein forms S213P, S197P, S240P.
Identifiers: ClinVar variation 1319 (VCV000001319.3), dbSNP rs121909395, ClinGen allele CA114922.